The following is an entry in ClinVar:

ClinVar aggregate classification (germline): Uncertain significance (0 of 4 stars; one submission).

Conditions:
Orofacial cleft 10 (OFC10). Also called: CLEFT LIP WITH OR WITHOUT CLEFT PALATE, NONSYNDROMIC, 10. Identifiers: MedGen C1866070, MONDO:0013378, OMIM 613705.

Submission:

Pharmacology and Genetics Laboratory, Bauru School of Dentistry, University of Sao Paulo
Classification: Uncertain significance for Orofacial cleft 10. Review status: no assertion criteria provided. Collection method: case-control. Allele origin: unknown. Affected: yes. Observed: 1 variant allele.
Comment: In silico analysis revealed polyphen prediction probably damage with polyphen score 1.000. Provean protein Batch - SIFT was predicted as damaging with score 0.004. Mutation tester predicted disease causing.

Literature cited by the submitters: PubMed 27834299; PubMed 26346622; PubMed 28762676.

NM_006147.4(IRF6):c.1175T>G (p.Val392Gly)

Gene: IRF6 (interferon regulatory factor 6; minus strand). Cytogenetic location: 1q32.2.
Variant type: single nucleotide variant.
Coding change: c.1175T>G on transcript NM_006147.4 (MANE Select); coding-DNA position 1175, T replaced by G.
Protein change: p.Val392Gly; replaces valine 392 with glycine.
Molecular consequence: missense variant.
Genome position (GRCh38, 1-based): chr1:209,789,671, A>C on the plus strand (T>G on the coding strand, the complement: IRF6 is on the minus strand). VCF-style: chr1-209789671-A-C. GRCh37 (hg19) VCF-style: chr1-209963016-A-C.
Other names: c.890T>G, p.Val297Gly (NM_001206696.2); short protein forms V392G, V297G.
Identifiers: ClinVar variation 559496 (VCV000559496.2), dbSNP rs1553247688, ClinGen allele CA344574474.
Genomic context (GRCh38, chr1:209,789,671, plus strand): 5'-GGGCTTAAGCATTGGCAAAAAGATGAAGAGTTGTTGACACAGCCTTATCTTCTCACCTGA[A>C]CCAAGATGAGTTTCCTTTCCAATGGTTTCCCATCTGGCCATTCTTCCCCAAAGCATAAGT-3'
Protein context (NP_006138.1, residues 382-402): GKPLERKLIL[Val392Gly]QVIPVVARMI